The following is an entry in ClinVar:

NM_001376.5(DYNC1H1):c.12559C>A (p.His4187Asn)

Gene: DYNC1H1 (dynein cytoplasmic 1 heavy chain 1; plus strand). Cytogenetic location: 14q32.31.
Variant type: single nucleotide variant.
Coding change: c.12559C>A on transcript NM_001376.5 (MANE Select); coding-DNA position 12559, C replaced by A.
Protein change: p.His4187Asn; replaces histidine 4187 with asparagine.
Molecular consequence: missense variant.
Genome position (GRCh38, 1-based): chr14:102,043,920, C>A. VCF-style: chr14-102043920-C-A. GRCh37 (hg19) VCF-style: chr14-102510257-C-A.
Other names: short protein forms H4187N.
Identifiers: ClinVar variation 2575884 (VCV002575884.4), dbSNP rs2503865547, ClinGen allele CA391042137.

ClinVar aggregate classification (germline): Uncertain significance. Review status: criteria provided, multiple submitters, no conflicts (2 of 4 stars). 2 submissions from 2 submitters: Uncertain significance (2). Last evaluated 2025-05-29.

Conditions:
Charcot-Marie-Tooth disease axonal type 2O. Also called: CHARCOT-MARIE-TOOTH NEUROPATHY, AXONAL, TYPE 2O; CHARCOT-MARIE-TOOTH DISEASE, AXONAL, AUTOSOMAL DOMINANT, TYPE 2O; Charcot-Marie-Tooth disease, axonal, type 20; Charcot-Marie-Tooth Neuropathy Type 2O. Identifiers: Orphanet 284232, MedGen C3280220, MONDO:0013644, OMIM 614228.

Allele frequency attached by ClinVar (database versions not stated): gnomAD exomes below 0.00001.
gnomAD v4.1: 1 of 1,614,228 alleles (0.000062%); highest among the groups gnomAD compares: East Asian, 0.0022%; no homozygotes.

Submissions (2):

GeneDx
Classification: Uncertain significance. Last evaluated: 2025-05-29. Review status: criteria provided, single submitter. Criteria: GeneDx Variant Classification Process June 2021. Collection method: clinical testing. Allele origin: germline. Affected: yes.
Comment: Not observed at significant frequency in large population cohorts (gnomAD); In silico analysis supports that this missense variant has a deleterious effect on protein structure/function; Has not been previously published as pathogenic or benign to our knowledge; This variant is associated with the following publications: (PMID: 25512093, 25609763, 26100331)

Labcorp Genetics (formerly Invitae), Labcorp
Classification: Uncertain significance for Charcot-Marie-Tooth disease axonal type 2O. Last evaluated: 2024-09-24. Review status: criteria provided, single submitter. Criteria: Invitae Variant Classification Sherloc (09022015). Collection method: clinical testing. Allele origin: germline.
Comment: This sequence change replaces histidine, which is basic and polar, with asparagine, which is neutral and polar, at codon 4187 of the DYNC1H1 protein (p.His4187Asn). This variant is not present in population databases (gnomAD no frequency). This variant has not been reported in the literature in individuals affected with DYNC1H1-related conditions. ClinVar contains an entry for this variant (Variation ID: 2575884). Invitae Evidence Modeling of protein sequence and biophysical properties (such as structural, functional, and spatial information, amino acid conservation, physicochemical variation, residue mobility, and thermodynamic stability) has been performed for this missense variant. However, the output from this modeling did not meet the statistical confidence thresholds required to predict the impact of this variant on DYNC1H1 protein function. In summary, the available evidence is currently insufficient to determine the role of this variant in disease. Therefore, it has been classified as a Variant of Uncertain Significance.